The following is an entry in ClinVar:

NM_005251.3(FOXC2):c.563_584del (p.Pro188fs)

Gene: FOXC2 (forkhead box C2; plus strand). Cytogenetic location: 16q24.1.
Variant type: Deletion.
Coding change: c.563_584del on transcript NM_005251.3 (MANE Select); coding-DNA positions 563 to 584, 22 bases deleted (CGGCGGCGTCCAAGGGCGCCCC).
Protein change: p.Pro188fs; shifts the reading frame from proline 188.
Molecular consequence: frameshift variant.
Genome position (GRCh38, 1-based): chr16:86,567,898-86,567,919, CGGCGGCGTCCAAGGGCGCCCC deleted; deleting any 22 consecutive bases within chr16:86,567,892-86,567,919 gives the same sequence; the c. name uses the placement nearest the transcript's 3' end. VCF-style (leftmost placement, unchanged base first): chr16-86567891-CCGCCCCCGGCGGCGTCCAAGGG-C. GRCh37 (hg19) VCF-style: chr16-86601497-CCGCCCCCGGCGGCGTCCAAGGG-C.
Other names: short protein forms P188fs.
Identifiers: ClinVar variation 5017690 (VCV005017690.1).

ClinVar aggregate classification (germline): Pathogenic (1 of 4 stars; one submission).

Submission:

GeneDx
Classification: Pathogenic. Last evaluated: 2026-03-31. Review status: criteria provided, single submitter. Criteria: GeneDx Variant Classification Process June 2021. Collection method: clinical testing. Allele origin: germline.
Comment: Frameshift variant predicted to result in abnormal protein length as the last 314 amino acid(s) are replaced with 5 different amino acid(s), and other similar variants have been reported in HGMD; Not observed at significant frequency in large population cohorts (gnomAD); This variant is associated with the following publications: (PMID: 18197197)